The following is an entry in ClinVar:

NM_004230.4(S1PR2):c.1013T>C (p.Met338Thr)

Gene: S1PR2 (sphingosine-1-phosphate receptor 2; minus strand). Cytogenetic location: 19p13.2.
Variant type: single nucleotide variant.
Coding change: c.1013T>C on transcript NM_004230.4 (MANE Select); coding-DNA position 1013, T replaced by C.
Protein change: p.Met338Thr; replaces methionine 338 with threonine.
Molecular consequence: missense variant.
Genome position (GRCh38, 1-based): chr19:10,223,893, A>G on the plus strand (T>C on the coding strand, the complement: S1PR2 is on the minus strand). VCF-style: chr19-10223893-A-G. GRCh37 (hg19) VCF-style: chr19-10334569-A-G.
Other names: short protein forms M338T.
Identifiers: ClinVar variation 3371560 (VCV003371560.3).

ClinVar aggregate classification (germline): Conflicting classifications of pathogenicity. Review status: criteria provided, conflicting classifications (1 of 4 stars). 2 submissions from 2 submitters: Uncertain significance (1); Likely benign (1). Last evaluated 2025-11-21.

Conditions:
Inborn genetic diseases. Identifiers: MedGen C0950123, MeSH D030342.

Submissions (2):

Ambry Genetics
Classification: Likely benign for Inborn genetic diseases. Last evaluated: 2025-11-21. Review status: criteria provided, single submitter. Criteria: Ambry Variant Classification Scheme 2023. Collection method: clinical testing. Allele origin: germline.

GeneDx
Classification: Uncertain significance. Last evaluated: 2025-05-30. Review status: criteria provided, single submitter. Criteria: GeneDx Variant Classification Process June 2021. Collection method: clinical testing. Allele origin: germline. Affected: yes.
Comment: In silico analysis suggests that this missense variant does not alter protein structure/function; Has not been previously published as pathogenic or benign to our knowledge